The following is an entry in ClinVar:

NM_007294.4(BRCA1):c.1072C>T (p.Leu358=)

Gene: BRCA1 (BRCA1 DNA repair associated; minus strand). Cytogenetic location: 17q21.31.
Variant type: single nucleotide variant.
Coding change: c.1072C>T on transcript NM_007294.4 (MANE Select); coding-DNA position 1072, C replaced by T.
Protein change: p.Leu358=; no amino-acid change (leucine 358 retained).
Molecular consequence: synonymous variant. On other transcripts: intron variant (137).
Genome position (GRCh38, 1-based): chr17:43,094,459, G>A on the plus strand (C>T on the coding strand, the complement: BRCA1 is on the minus strand). VCF-style: chr17-43094459-G-A. GRCh37 (hg19) VCF-style: chr17-41246476-G-A.
Other names: c.949C>T, p.Leu317= (NM_001407681.1, NM_001407682.1, NM_001407683.1 and 19 more transcripts); c.1072C>T, p.Leu358= (NM_001407684.1, NM_001407854.1, NM_001407858.1 and 30 more transcripts); c.946C>T, p.Leu316= (NM_001407685.1, NM_001407686.1, NM_001407687.1 and 11 more transcripts); c.931C>T, p.Leu311= (NM_001407692.1, NM_001407694.1, NM_001407695.1 and 29 more transcripts); c.928C>T, p.Leu310= (NM_001407740.1, NM_001407741.1, NM_001407742.1 and 20 more transcripts); c.859C>T, p.Leu287= (NM_001407853.1, NM_001407894.1, NM_001407895.1 and 9 more transcripts); c.1069C>T, p.Leu357= (NM_001407860.1, NM_001407861.1, NM_001407587.1 and 22 more transcripts); c.871C>T, p.Leu291= (NM_001407862.1); and 40 more.
Identifiers: ClinVar variation 230917 (VCV000230917.20), dbSNP rs377310179, ClinGen allele CA057016.

ClinVar aggregate classification (germline): Likely benign. Review status: reviewed by expert panel (3 of 4 stars). 5 submissions from 5 submitters: Likely benign (1). 4 of the submissions do not count toward it. Last evaluated 2017-06-29.

Conditions:
Hereditary cancer-predisposing syndrome. Also called: Tumor predisposition; Hereditary Cancer Syndrome; Neoplastic Syndromes, Hereditary; Hereditary neoplastic syndrome. Identifiers: Orphanet 140162, MedGen C0027672, MeSH D009386, MONDO:0015356.
Hereditary breast ovarian cancer syndrome. Also called: Breast and ovarian cancer; Hereditary breast and ovarian cancer; Hereditary breast and ovarian cancer syndrome; Hereditary breast and/or ovarian cancer syndrome; BRCA1- and BRCA2-Associated Hereditary Breast and Ovarian Cancer; Hereditary breast and ovarian cancer syndrome (HBOC). Identifiers: Orphanet 145, MedGen C0677776, MeSH D061325, MONDO:0003582. Disease mechanism: loss of function.
Breast-ovarian cancer, familial, susceptibility to, 1 (BROVCA1). Also called: BRCA1 Hereditary Breast and Ovarian Cancer; OVARIAN CANCER, SUSCEPTIBILITY TO. Identifiers: Orphanet 145, MedGen C2676676, MONDO:0011450, OMIM 604370. Disease mechanism: loss of function.

Allele frequency attached by ClinVar (database versions not stated): gnomAD exomes below 0.00001; ExAC 0.00001; gnomAD 0.00001; TOPMed 0.00001; ESP Exome Variant Server 0.00008.
gnomAD v4.1: 1 of 1,613,918 alleles (0.000062%); highest among the groups gnomAD compares: Non-Finnish European, 0.000085%; no homozygotes.

Submissions (5):

Evidence-based Network for the Interpretation of Germline Mutant Alleles (ENIGMA)
Classification: Likely benign for Breast-ovarian cancer, familial, susceptibility to, 1. Last evaluated: 2017-06-29. Review status: reviewed by expert panel. Criteria: ENIGMA BRCA1/2 Classification Criteria (2017-06-29). Collection method: curation. Allele origin: germline.
Comment: Synonymous substitution variant, with low bioinformatic likelihood to result in a splicing aberration (Splicing prior probability 0.02).

Labcorp Genetics (formerly Invitae), Labcorp
Classification: Likely benign for Hereditary breast ovarian cancer syndrome. Last evaluated: 2023-12-31. Review status: criteria provided, single submitter. Criteria: Invitae Variant Classification Sherloc (09022015). Collection method: clinical testing. Allele origin: germline. Not counted in ClinVar's aggregate classification.

All of Us Research Program, National Institutes of Health
Classification: Likely benign for Breast-ovarian cancer, familial, susceptibility to, 1. Last evaluated: 2023-03-23. Review status: criteria provided, single submitter. Criteria: ACMG Guidelines, 2015. Collection method: clinical testing. Allele origin: germline. Inheritance: Autosomal dominant inheritance. Observed: 1 variant allele, 1 heterozygote. Not counted in ClinVar's aggregate classification.
Comment: This study involves interpretation of variants in research participants for the purpose of population health screening. Participant phenotype was not available at the time of variant classification. Additional details can be found in publication PMID: 35346344, PMCID: PMC8962531

GeneDx
Classification: Likely benign. Last evaluated: 2019-11-15. Review status: criteria provided, single submitter. Criteria: GeneDx Variant Classification Process June 2021. Collection method: clinical testing. Allele origin: germline. Affected: yes. Not counted in ClinVar's aggregate classification.

Ambry Genetics
Classification: Likely benign for Hereditary cancer-predisposing syndrome. Last evaluated: 2015-03-06. Review status: criteria provided, single submitter. Criteria: Ambry Variant Classification Scheme 2023. Collection method: clinical testing. Allele origin: germline. Not counted in ClinVar's aggregate classification.